The following is an entry in ClinVar:

ClinVar aggregate classification (germline): Uncertain significance. Review status: criteria provided, multiple submitters, no conflicts (2 of 4 stars). 5 submissions from 5 submitters: Uncertain significance (5). Last evaluated 2025-01-15.

Conditions:
PLEC-related disorder. Also called: PLEC-related condition; PLEC-related disorders.
Epidermolysis bullosa simplex, Ogna type (EBS5A). Also called: Pidermolysis bullosa simplex 5A, Ogna type; EPIDERMOLYSIS BULLOSA SIMPLEX 5A, OGNA TYPE. Identifiers: Orphanet 79401, MedGen C0432317, MONDO:0007555, OMIM 131950.
Epidermolysis bullosa simplex with nail dystrophy (EBS5D). Identifiers: MedGen C4225309, MONDO:0014661, OMIM 616487.
Autosomal recessive limb-girdle muscular dystrophy type 2Q (LGMDR17). Also called: MUSCULAR DYSTROPHY, LIMB-GIRDLE, AUTOSOMAL RECESSIVE 17. Identifiers: Orphanet 254361, MedGen C3150989, MONDO:0013390, OMIM 613723.
Epidermolysis bullosa simplex 5C, with pyloric atresia (EBS5C). Also called: PLEC-Related Epidermolysis Bullosa with Pyloric Atresia; Epidermolysis bullosa simplex with pyloric atresia; PLEC1-Related Epidermolysis Bullosa with Pyloric Atresia. Identifiers: Orphanet 158684, MedGen C2677349, MONDO:0012807, OMIM 612138.
Epidermolysis bullosa simplex 5B, with muscular dystrophy (EBS5B). Also called: Epidermolysis bullosa simplex with muscular dystrophy; EPIDERMOLYSIS BULLOSA SIMPLEX AND LIMB-GIRDLE MUSCULAR DYSTROPHY. Identifiers: Orphanet 257, MedGen C2931072, MONDO:0009181, OMIM 226670.

Allele frequency attached by ClinVar (database versions not stated): gnomAD exomes 0.00006 and 0.00008; ExAC 0.00008; ESP Exome Variant Server 0.00008; gnomAD 0.00011 and 0.00012; TOPMed 0.00015; 1000 Genomes Project 30x 0.00031; 1000 Genomes Project 0.00040.
gnomAD v4.1: 107 of 1,598,514 alleles (0.0067%); highest among the groups gnomAD compares: African/African-American, 0.048%; no homozygotes.

Submissions (6):

PreventionGenetics, part of Exact Sciences
Classification: Uncertain significance for PLEC-related condition. Last evaluated: 2025-01-15. Review status: criteria provided, single submitter. Criteria: ACMG Guidelines, 2015. Collection method: clinical testing. Allele origin: germline.
Comment: The PLEC c.5906C>T variant is predicted to result in the amino acid substitution p.Ala1969Val. To our knowledge, this variant has not been reported in the literature. This variant is reported in 0.047% of alleles in individuals of African descent in gnomAD. At this time, the clinical significance of this variant is uncertain due to the absence of conclusive functional and genetic evidence.

Revvity Omics, Revvity
Classification: Uncertain significance. Last evaluated: 2023-06-27. Review status: criteria provided, single submitter. Criteria: ACMG Guidelines, 2015. Collection method: clinical testing. Allele origin: germline.

Labcorp Genetics (formerly Invitae), Labcorp
Classification: Uncertain significance for Autosomal recessive limb-girdle muscular dystrophy type 2Q; Epidermolysis bullosa simplex, Ogna type; Epidermolysis bullosa simplex with nail dystrophy; Epidermolysis bullosa simplex 5C, with pyloric atresia; Epidermolysis bullosa simplex 5B, with muscular dystrophy. Last evaluated: 2022-07-25. Review status: criteria provided, single submitter. Criteria: Invitae Variant Classification Sherloc (09022015). Collection method: clinical testing. Allele origin: germline.
Comment: This variant has not been reported in the literature in individuals affected with PLEC-related conditions. In summary, the available evidence is currently insufficient to determine the role of this variant in disease. Therefore, it has been classified as a Variant of Uncertain Significance. Algorithms developed to predict the effect of sequence changes on RNA splicing suggest that this variant may create or strengthen a splice site. Algorithms developed to predict the effect of missense changes on protein structure and function are either unavailable or do not agree on the potential impact of this missense change (SIFT: "Deleterious"; PolyPhen-2: "Not Available"; Align-GVGD: "Class C0"). ClinVar contains an entry for this variant (Variation ID: 229150). This variant is present in population databases (rs372179538, gnomAD 0.04%). This sequence change replaces alanine, which is neutral and non-polar, with valine, which is neutral and non-polar, at codon 1969 of the PLEC protein (p.Ala1969Val).

Eurofins Ntd Llc (ga)
Classification: Uncertain significance. Last evaluated: 2017-04-18. Review status: criteria provided, single submitter. Criteria: EGL Classification Definitions 2015. Collection method: clinical testing. Allele origin: germline. Observed: 1 variant allele, 1 heterozygote.

Laboratory for Molecular Medicine, Mass General Brigham Personalized Medicine
Classification: Uncertain significance. Last evaluated: 2015-04-28. Review status: criteria provided, single submitter. Criteria: LMM Criteria. Collection method: clinical testing. Allele origin: germline. Observed: 1 variant allele.
Comment: The p.Ala2079Val variant in PLEC has not been previously reported in individuals with myopathy, but has been identified in 3/7750 African chromosomes and 4/1095 2 Latino chromosomes by the Exome Aggregation Consortium (ExAC; dbSNP rs372179538). Computational prediction tools and conservat ion analysis suggest that this variant may not impact the protein, though this i nformation is not predictive enough to rule out pathogenicity. In summary, the c linical significance of the p.Ala2079Val variant is uncertain.

Dr. Peter K. Rogan Lab, Western University
No classification provided (evidence only). Condition: Malignant tumor of esophagus. Review status: no classification provided. Collection method: in vitro. Allele origin: not applicable. Functional consequence: skipped exon. Not counted in ClinVar's aggregate classification.

NM_201384.3(PLEC):c.5825C>T (p.Ala1942Val)

Gene: PLEC (plectin; minus strand). Cytogenetic location: 8q24.3.
Variant type: single nucleotide variant.
Coding change: c.5825C>T on transcript NM_201384.3 (MANE Select); coding-DNA position 5825, C replaced by T.
Protein change: p.Ala1942Val; replaces alanine 1942 with valine.
Molecular consequence: missense variant.
Genome position (GRCh38, 1-based): chr8:143,924,104, G>A on the plus strand (C>T on the coding strand, the complement: PLEC is on the minus strand). VCF-style: chr8-143924104-G-A. GRCh37 (hg19) VCF-style: chr8-144998272-G-A.
Other names: c.5906C>T, p.Ala1969Val (NM_000445.5); c.5783C>T, p.Ala1928Val (NM_201378.4); c.5759C>T, p.Ala1920Val (NM_201379.3); c.6236C>T, p.Ala2079Val (NM_201380.4); c.5729C>T, p.Ala1910Val (NM_201381.3); c.5825C>T, p.Ala1942Val (NM_201382.4); c.5837C>T, p.Ala1946Val (NM_201383.3); c.5906C>T (NM_000445.3); short protein forms A1910V, A1920V, A1928V, A1942V, A1946V, A1969V, A2079V.
Identifiers: ClinVar variation 229150 (VCV000229150.21), dbSNP rs372179538, ClinGen allele CA4926226.
Genomic context (GRCh38, chr8:143,924,104, plus strand): 5'-TTGCTGCGCAGCGTGTCCTCCGCGTTGCTGCGGATGCGTCCCAGCTCCAGCTCCAGCTCC[G>A]CCTTGCCAGCGGCCGCCTTCTCGAAGCTCGCCTTCAGCGCCAGGATCTCCTCCTCCACCT-3'
Protein context (NP_958786.1, residues 1932-1952): ASFEKAAAGK[Ala1942Val]ELELELGRIR